The following is an entry in ClinVar:

NM_001042492.3(NF1):c.3467A>C (p.Asn1156Thr)

Gene: NF1 (neurofibromin 1; plus strand). Cytogenetic location: 17q11.2.
Variant type: single nucleotide variant.
Coding change: c.3467A>C on transcript NM_001042492.3 (MANE Select); coding-DNA position 3467, A replaced by C.
Protein change: p.Asn1156Thr; replaces asparagine 1156 with threonine.
Molecular consequence: missense variant.
Genome position (GRCh38, 1-based): chr17:31,232,852, A>C. VCF-style: chr17-31232852-A-C. GRCh37 (hg19) VCF-style: chr17-29559870-A-C.
Other names: c.3467A>C, p.Asn1156Thr (NM_000267.4); short protein forms N1156T.
Identifiers: ClinVar variation 849941 (VCV000849941.6), dbSNP rs199474764, ClinGen allele CA398989381.

ClinVar aggregate classification (germline): Likely pathogenic (1 of 4 stars; one submission).

Conditions:
Neurofibromatosis, type 1 (NF1). Also called: Neurofibromatosis, type I; VON RECKLINGHAUSEN DISEASE; Peripheral type neurofibromatosis; NEUROFIBROMATOSIS, TYPE I, SOMATIC. Identifiers: Orphanet 636, MedGen C0027831, MONDO:0018975, OMIM 162200. Disease mechanism: loss of function.

Submission:

Labcorp Genetics (formerly Invitae), Labcorp
Classification: Likely pathogenic for Neurofibromatosis, type 1. Last evaluated: 2024-09-18. Review status: criteria provided, single submitter. Criteria: Invitae Variant Classification Sherloc (09022015). Collection method: clinical testing. Allele origin: germline.
Comment: This sequence change replaces asparagine, which is neutral and polar, with threonine, which is neutral and polar, at codon 1156 of the NF1 protein (p.Asn1156Thr). This variant is not present in population databases (gnomAD no frequency). This missense change has been observed in individual(s) with clinical features of NF1-related conditions (internal data). ClinVar contains an entry for this variant (Variation ID: 849941). Invitae Evidence Modeling of protein sequence and biophysical properties (such as structural, functional, and spatial information, amino acid conservation, physicochemical variation, residue mobility, and thermodynamic stability) indicates that this missense variant is expected to disrupt NF1 protein function with a positive predictive value of 95%. This variant disrupts the p.Asn1156 amino acid residue in NF1. Other variant(s) that disrupt this residue have been determined to be pathogenic (internal data). This suggests that this residue is clinically significant, and that variants that disrupt this residue are likely to be disease-causing. In summary, the currently available evidence indicates that the variant is pathogenic, but additional data are needed to prove that conclusively. Therefore, this variant has been classified as Likely Pathogenic.